The following is an entry in ClinVar:

NM_006885.4(ZFHX3):c.4296T>C (p.Cys1432=)

Genes: ZFHX3 (zinc finger homeobox 3; minus strand), ZFHX3-AS1 (ZFHX3 antisense RNA 1; plus strand). Cytogenetic location: 16q22.2.
Variant type: single nucleotide variant.
Coding change: c.4296T>C on transcript NM_006885.4 (MANE Select); coding-DNA position 4296, T replaced by C.
Protein change: p.Cys1432=; no amino-acid change (cysteine 1432 retained).
Molecular consequence: synonymous variant.
Genome position (GRCh38, 1-based): chr16:72,798,386, A>G on the plus strand (T>C on the coding strand, the complement: ZFHX3 is on the minus strand). VCF-style: chr16-72798386-A-G. GRCh37 (hg19) VCF-style: chr16-72832285-A-G.
Other names: c.1554T>C, p.Cys518= (NM_001164766.2); c.4296T>C, p.Cys1432= (NM_001386735.1).
Identifiers: ClinVar variation 3043578 (VCV003043578.3), dbSNP rs149645127, ClinGen allele CA8163829.

ClinVar aggregate classification (germline): Likely benign. Review status: criteria provided, single submitter (1 of 4 stars). 2 submissions from 2 submitters: Likely benign (1). 1 of the submissions does not count toward it. Last evaluated 2024-11-27.

Conditions:
ZFHX3-related disorder. Also called: ZFHX3-related condition.

Allele frequency attached by ClinVar (database versions not stated): ESP Exome Variant Server 0.00008; TOPMed 0.00057; gnomAD 0.00066; gnomAD exomes 0.00080; ExAC 0.00138; 1000 Genomes Project 0.00359; 1000 Genomes Project 30x 0.00359.
gnomAD v4.1: 1,261 of 1,614,218 alleles (0.078%); highest among the groups gnomAD compares: East Asian, 2.4%; 19 homozygotes.

Submissions (2):

Blueprint Genetics
Classification: Likely benign. Last evaluated: 2024-11-27. Review status: criteria provided, single submitter. Criteria: ACMG Guidelines, 2015. Collection method: clinical testing. Allele origin: germline.

PreventionGenetics, part of Exact Sciences
Classification: Benign for ZFHX3-related condition. Last evaluated: 2019-06-13. Review status: no assertion criteria provided. Collection method: clinical testing. Allele origin: germline. Not counted in ClinVar's aggregate classification.
Comment: This variant is classified as benign based on ACMG/AMP sequence variant interpretation guidelines (Richards et al. 2015 PMID: 25741868, with internal and published modifications).